The following is an entry in ClinVar:

NM_080680.3(COL11A2):c.653A>T (p.Tyr218Phe)

Gene: COL11A2 (collagen type XI alpha 2 chain; minus strand). Cytogenetic location: 6p21.32.
Variant type: single nucleotide variant.
Coding change: c.653A>T on transcript NM_080680.3 (MANE Select); coding-DNA position 653, A replaced by T.
Protein change: p.Tyr218Phe; replaces tyrosine 218 with phenylalanine.
Molecular consequence: missense variant.
Genome position (GRCh38, 1-based): chr6:33,186,772, T>A on the plus strand (A>T on the coding strand, the complement: COL11A2 is on the minus strand). VCF-style: chr6-33186772-T-A. GRCh37 (hg19) VCF-style: chr6-33154549-T-A.
Other names: c.653A>T, p.Tyr218Phe (NM_001163771.2, NM_080679.3, NM_080681.3); short protein forms Y218F.
Identifiers: ClinVar variation 2119693 (VCV002119693.4), dbSNP rs571279786, ClinGen allele CA363610529.

ClinVar aggregate classification (germline): Uncertain significance (1 of 4 stars; one submission).

Submission:

Labcorp Genetics (formerly Invitae), Labcorp
Classification: Uncertain significance. Last evaluated: 2022-03-30. Review status: criteria provided, single submitter. Criteria: Invitae Variant Classification Sherloc (09022015). Collection method: clinical testing. Allele origin: germline.
Comment: In summary, the available evidence is currently insufficient to determine the role of this variant in disease. Therefore, it has been classified as a Variant of Uncertain Significance. Advanced modeling of protein sequence and biophysical properties (such as structural, functional, and spatial information, amino acid conservation, physicochemical variation, residue mobility, and thermodynamic stability) performed at Invitae indicates that this missense variant is not expected to disrupt COL11A2 protein function. This variant has not been reported in the literature in individuals affected with COL11A2-related conditions. This variant is not present in population databases (gnomAD no frequency). This sequence change replaces tyrosine, which is neutral and polar, with phenylalanine, which is neutral and non-polar, at codon 218 of the COL11A2 protein (p.Tyr218Phe).